The following is an entry in ClinVar:

ClinVar aggregate classification (germline): Likely pathogenic (1 of 4 stars; one submission).

Conditions:
Marshall-Smith syndrome (MRSHSS). Identifiers: Orphanet 561, MedGen C0265211, MONDO:0011244, OMIM 602535.

Submission:

Centre for Mendelian Genomics, University Medical Centre Ljubljana
Classification: Likely pathogenic for Marshall-Smith syndrome. Last evaluated: 2018-11-01. Review status: criteria provided, single submitter. Criteria: ACMG Guidelines, 2015. Collection method: clinical testing. Allele origin: unknown. Affected: yes.
Comment: This variant was classified as: Likely pathogenic. The following ACMG criteria were applied in classifying this variant: PVS1,PM2.

NM_001365902.3(NFIX):c.1449del (p.Ile483fs)

Gene: NFIX (nuclear factor I X; plus strand). Cytogenetic location: 19p13.13.
Variant type: Deletion.
Coding change: c.1449del on transcript NM_001365902.3 (MANE Select); coding-DNA position 1449, one base deleted (C; older notation c.1449delC).
Protein change: p.Ile483fs; shifts the reading frame from isoleucine 483.
Molecular consequence: frameshift variant.
Genome position (GRCh38, 1-based): chr19:13,090,345, C deleted. VCF-style (leftmost placement, unchanged base first): chr19-13090344-TC-T. GRCh37 (hg19) VCF-style: chr19-13201158-TC-T.
Other names: c.1473delC (NM_001271043.2); c.1473del, p.Ile491fs (NM_001271043.2); c.1277del, p.Ser426fs (NM_001271044.3); c.1178del, p.Ser393fs (NM_001365982.2); c.1160del, p.Ser387fs (NM_001365983.2); c.1446del, p.Ile482fs (NM_001365984.2); c.1298del, p.Ser433fs (NM_001365985.2); c.1425del, p.Ile475fs (NM_001378404.1); and 2 more; short protein forms I475fs, I499fs, S426fs, S433fs, S434fs, S387fs, I483fs, I482fs.
Identifiers: ClinVar variation 931835 (VCV000931835.3), dbSNP rs2018057322, ClinGen allele CA1139666311.
Genomic context (GRCh38, chr19:13,090,344, plus strand): 5'-CCCTGCTCCCCACAGCATTCGCAACGACAGGCGCCTCCTCTGCCAACCGGTTTGTCAGCA[TC>T]GGACCCCGGGACGGCAACTTTCTGAACATCCCACAGCAGTCTCAGGTAGGAGACCCTGCC-3'